The following is an entry in ClinVar:

NM_002458.3(MUC5B):c.10527G>T (p.Leu3509=)

Genes: MUC5B (mucin 5B, oligomeric mucus/gel-forming; plus strand), MUC5B-AS1 (MUC5B antisense RNA 1; minus strand). Cytogenetic location: 11p15.5.
Variant type: single nucleotide variant.
Coding change: c.10527G>T on transcript NM_002458.3 (MANE Select); coding-DNA position 10527, G replaced by T.
Protein change: p.Leu3509=; no amino-acid change (leucine 3509 retained).
Molecular consequence: synonymous variant.
Genome position (GRCh38, 1-based): chr11:1,247,407, G>T. VCF-style: chr11-1247407-G-T. GRCh37 (hg19) VCF-style: chr11-1268637-G-T.
Identifiers: ClinVar variation 403163 (VCV000403163.8), dbSNP rs2943525, ClinGen allele CA5807371.

ClinVar aggregate classification (germline): Benign. Review status: criteria provided, multiple submitters, no conflicts (2 of 4 stars). 3 submissions from 3 submitters: Benign (3). Last evaluated 2021-06-09.

Allele frequency attached by ClinVar (database versions not stated): 1000 Genomes Project 30x 0.12180; TOPMed 0.13499; 1000 Genomes Project 0.14776; gnomAD 0.14780 and 0.14829.
gnomAD v4.1: 210,134 of 1,562,312 alleles (13%); highest among the groups gnomAD compares: Admixed American, 26%; 16,776 homozygotes.

Submissions (3):

GeneDx
Classification: Benign. Last evaluated: 2021-06-09. Review status: criteria provided, single submitter. Criteria: GeneDx Variant Classification Process June 2021. Collection method: clinical testing. Allele origin: germline. Affected: yes.

Laboratory for Molecular Medicine, Mass General Brigham Personalized Medicine
Classification: Benign. Last evaluated: 2016-03-28. Review status: criteria provided, single submitter. Criteria: LMM Criteria. Collection method: clinical testing. Allele origin: germline.
Comment: Variant identified in a genome or exome case(s) and assessed due to predicted null impact of the variant or pathogenic assertions in the literature or databases. Disclaimer: This variant has not undergone full assessment. The following are preliminary notes: Frequency

Breakthrough Genomics
Classification: Benign. Review status: criteria provided, single submitter. Criteria: ACMG Guidelines, 2015. Collection method: not provided. Allele origin: germline. Inheritance: Autosomal dominant inheritance. Affected: yes.